The following is an entry in ClinVar:

NM_005612.5(REST):c.1416T>A (p.Asp472Glu)

Gene: REST (RE1 silencing transcription factor; plus strand). Cytogenetic location: 4q12.
Variant type: single nucleotide variant.
Coding change: c.1416T>A on transcript NM_005612.5 (MANE Select); coding-DNA position 1416, T replaced by A.
Protein change: p.Asp472Glu; replaces aspartic acid 472 with glutamic acid.
Molecular consequence: missense variant.
Genome position (GRCh38, 1-based): chr4:56,930,274, T>A. VCF-style: chr4-56930274-T-A. GRCh37 (hg19) VCF-style: chr4-57796440-T-A.
Other names: c.1416T>A, p.Asp472Glu (NM_001193508.2, NM_001363453.3); short protein forms D472E.
Identifiers: ClinVar variation 2702789 (VCV002702789.3), dbSNP rs2475849306, ClinGen allele CA357006570.

ClinVar aggregate classification (germline): Uncertain significance (1 of 4 stars; one submission).

gnomAD v4.1: 1 of 1,612,734 alleles (0.000062%); highest among the groups gnomAD compares: Non-Finnish European, 0.000085%; no homozygotes.

Submission:

Labcorp Genetics (formerly Invitae), Labcorp
Classification: Uncertain significance. Last evaluated: 2023-12-13. Review status: criteria provided, single submitter. Criteria: Invitae Variant Classification Sherloc (09022015). Collection method: clinical testing. Allele origin: germline.
Comment: This sequence change replaces aspartic acid, which is acidic and polar, with glutamic acid, which is acidic and polar, at codon 472 of the REST protein (p.Asp472Glu). This variant is not present in population databases (gnomAD no frequency). This variant has not been reported in the literature in individuals affected with REST-related conditions. An algorithm developed to predict the effect of missense changes on protein structure and function (PolyPhen-2) suggests that this variant is likely to be tolerated. In summary, the available evidence is currently insufficient to determine the role of this variant in disease. Therefore, it has been classified as a Variant of Uncertain Significance.